The following is an entry in ClinVar:

NM_000535.7(PMS2):c.23+1G>A

Gene: PMS2 (PMS1 homolog 2, mismatch repair system component; minus strand). Cytogenetic location: 7p22.1.
Variant type: single nucleotide variant.
Coding change: c.23+1G>A on transcript NM_000535.7 (MANE Select); the canonical splice donor site of the intron after coding-DNA position 23, G replaced by A.
Molecular consequence: splice donor variant. On other transcripts: 5 prime UTR variant (8).
Genome position (GRCh38, 1-based): chr7:6,008,996, C>T on the plus strand (G>A on the coding strand, the complement: PMS2 is on the minus strand). VCF-style: chr7-6008996-C-T. GRCh37 (hg19) VCF-style: chr7-6048627-C-T.
Other names: c.-409+1G>A (NM_001406880.1); c.-373+1G>A (NM_001406890.1); c.23+1G>A (NM_001406886.1, NM_001406884.1, NM_001406874.1 and 11 more transcripts); c.-862+1G>A (NM_001322011.2); c.-462+1G>A (NM_001406878.1); c.-550+1G>A (NM_001406891.1); c.-516+1G>A (NM_001406899.1); c.-623+1G>A (NM_001406893.1); and 19 more.
Identifiers: ClinVar variation 1195870 (VCV001195870.8), dbSNP rs587782074, ClinGen allele CA366745215.

ClinVar aggregate classification (germline): Likely pathogenic. Review status: criteria provided, multiple submitters, no conflicts (2 of 4 stars). 3 submissions from 3 submitters: Likely pathogenic (2). 1 of the submissions does not count toward it. Last evaluated 2022-04-15.

Conditions:
Breast carcinoma. Also called: Carcinoma of breast. Identifiers: MedGen C0678222, MONDO:0004989, HP:0003002.
Hereditary nonpolyposis colorectal neoplasms. Identifiers: MedGen C0009405, MeSH D003123.
Lynch syndrome 4 (LYNCH4). Also called: Hereditary non-polyposis colorectal cancer, type 4; Colorectal cancer, hereditary nonpolyposis, type 4. Identifiers: Orphanet 144, MedGen C1838333, MONDO:0013699, OMIM 614337. Disease mechanism: loss of function.

Submissions (3):

Labcorp Genetics (formerly Invitae), Labcorp
Classification: Likely pathogenic for Hereditary nonpolyposis colorectal neoplasms. Last evaluated: 2022-04-15. Review status: criteria provided, single submitter. Criteria: Invitae Variant Classification Sherloc (09022015). Collection method: clinical testing. Allele origin: germline.
Comment: ClinVar contains an entry for this variant (Variation ID: 1195870). Algorithms developed to predict the effect of sequence changes on RNA splicing suggest that this variant may disrupt the consensus splice site. In summary, the currently available evidence indicates that the variant is pathogenic, but additional data are needed to prove that conclusively. Therefore, this variant has been classified as Likely Pathogenic. This sequence change affects a donor splice site in intron 1 of the PMS2 gene. It is expected to disrupt RNA splicing. Variants that disrupt the donor or acceptor splice site typically lead to a loss of protein function (PMID: 16199547), and loss-of-function variants in PMS2 are known to be pathogenic (PMID: 21376568, 24362816). This variant is not present in population databases (gnomAD no frequency). This variant has not been reported in the literature in individuals affected with PMS2-related conditions.

Baylor Genetics
Classification: Likely pathogenic for Lynch syndrome 4. Last evaluated: 2022-03-04. Review status: criteria provided, single submitter. Criteria: ACMG Guidelines, 2015. Collection method: clinical testing. Allele origin: unknown.

Medical Genetics Laboratory, Umraniye Training and Research Hospital, University of Health Sciences
Classification: Pathogenic for Breast carcinoma. Last evaluated: 2021-08-10. Review status: no assertion criteria provided. Collection method: clinical testing. Allele origin: germline. Inheritance: Autosomal dominant inheritance. Affected: yes. Observed: 1 variant allele, 1 heterozygote. Not counted in ClinVar's aggregate classification.

Literature cited by the submitters: PubMed 16199547 (cited by Labcorp Genetics (formerly Invitae), Labcorp); PubMed 21376568 (cited by Labcorp Genetics (formerly Invitae), Labcorp); PubMed 24362816 (cited by Labcorp Genetics (formerly Invitae), Labcorp).